The following is an entry in ClinVar:

ClinVar aggregate classification (germline): Uncertain significance. Review status: criteria provided, multiple submitters, no conflicts (2 of 4 stars). 3 submissions from 3 submitters: Uncertain significance (3). Last evaluated 2025-08-19.

Conditions:
VPS13B-related disorder. Also called: VPS13B-related condition.
Cohen syndrome (COH1). Also called: Cutis verticis gyrata, retinitis pigmentosa, and sensorineural deafness; PEPPER SYNDROME. Identifiers: Orphanet 193, MedGen C0265223, MONDO:0008999, OMIM 216550.

Allele frequency attached by ClinVar (database versions not stated): gnomAD exomes below 0.00001.
gnomAD v4.1: 1 of 1,613,396 alleles (0.000062%); highest among the groups gnomAD compares: Non-Finnish European, 0.000085%; no homozygotes.

Submissions (3):

PreventionGenetics, part of Exact Sciences
Classification: Uncertain significance for VPS13B-related condition. Last evaluated: 2025-08-19. Review status: criteria provided, single submitter. Criteria: ACMG Guidelines, 2015. Collection method: clinical testing. Allele origin: germline.
Comment: The VPS13B c.6023T>A variant is predicted to result in the amino acid substitution p.Ile2008Asn. To our knowledge, this variant has not been reported in the literature. This variant is reported in 0.00088% of alleles in individuals of European (Non-Finnish) descent in gnomAD. At this time, the clinical significance of this variant is uncertain due to the absence of conclusive functional and genetic evidence.

Blueprint Genetics
Classification: Uncertain significance. Last evaluated: 2022-08-02. Review status: criteria provided, single submitter. Criteria: ACMG Guidelines, 2015. Collection method: clinical testing. Allele origin: germline.

Labcorp Genetics (formerly Invitae), Labcorp
Classification: Uncertain significance for Cohen syndrome. Last evaluated: 2019-07-10. Review status: criteria provided, single submitter. Criteria: Invitae Variant Classification Sherloc (09022015). Collection method: clinical testing. Allele origin: germline.
Comment: This variant has not been reported in the literature in individuals with VPS13B-related conditions. In summary, the available evidence is currently insufficient to determine the role of this variant in disease. Therefore, it has been classified as a Variant of Uncertain Significance. Algorithms developed to predict the effect of missense changes on protein structure and function are either unavailable or do not agree on the potential impact of this missense change (SIFT: "Tolerated"; PolyPhen-2: "Probably Damaging"; Align-GVGD: "Class C0"). This variant is not present in population databases (ExAC no frequency). This sequence change replaces isoleucine with asparagine at codon 2033 of the VPS13B protein (p.Ile2033Asn). The isoleucine residue is moderately conserved and there is a large physicochemical difference between isoleucine and asparagine.

NM_152564.5(VPS13B):c.6023T>A (p.Ile2008Asn)

Gene: VPS13B (vacuolar protein sorting 13 homolog B; plus strand). Cytogenetic location: 8q22.2.
Variant type: single nucleotide variant.
Coding change: c.6023T>A on transcript NM_152564.5 (MANE Select); coding-DNA position 6023, T replaced by A.
Protein change: p.Ile2008Asn; replaces isoleucine 2008 with asparagine.
Molecular consequence: missense variant.
Genome position (GRCh38, 1-based): chr8:99,661,468, T>A. VCF-style: chr8-99661468-T-A. GRCh37 (hg19) VCF-style: chr8-100673696-T-A.
Other names: c.6023T>A (NM_152564.4); c.6098T>A, p.Ile2033Asn (NM_017890.5); short protein forms I2008N, I2033N.
Identifiers: ClinVar variation 946720 (VCV000946720.10), dbSNP rs1341696957, ClinGen allele CA371869115.